The following is an entry in ClinVar:

NM_006245.4(PPP2R5D):c.472C>T (p.His158Tyr)

Gene: PPP2R5D (protein phosphatase 2 regulatory subunit B'delta; plus strand). Cytogenetic location: 6p21.1.
Variant type: single nucleotide variant.
Coding change: c.472C>T on transcript NM_006245.4 (MANE Select); coding-DNA position 472, C replaced by T.
Protein change: p.His158Tyr; replaces histidine 158 with tyrosine.
Molecular consequence: missense variant.
Genome position (GRCh38, 1-based): chr6:43,007,060, C>T. VCF-style: chr6-43007060-C-T. GRCh37 (hg19) VCF-style: chr6-42974798-C-T.
Other names: c.19C>T, p.His7Tyr (NM_001270476.2); c.376C>T, p.His126Tyr (NM_180976.3); c.154C>T, p.His52Tyr (NM_180977.3); short protein forms H126Y, H158Y, H52Y, H7Y.
Identifiers: ClinVar variation 3388965 (VCV003388965.14).

ClinVar aggregate classification (germline): Uncertain significance (1 of 4 stars; one submission).

Submission:

CeGaT Center for Human Genetics Tuebingen
Classification: Uncertain significance. Last evaluated: 2024-10-01. Review status: criteria provided, single submitter. Criteria: CeGaT Center For Human Genetics Tuebingen Variant Classification Criteria Version 2. Collection method: clinical testing. Allele origin: germline. Affected: yes. Observed: 1 variant allele.
Comment: PPP2R5D: PM2, PP2